The following is an entry in ClinVar:

NM_000179.3(MSH6):c.27C>T (p.Ser9=)

Gene: MSH6 (mutS homolog 6; plus strand). Cytogenetic location: 2p16.3.
Variant type: single nucleotide variant.
Coding change: c.27C>T on transcript NM_000179.3 (MANE Select); coding-DNA position 27, C replaced by T.
Protein change: p.Ser9=; no amino-acid change (serine 9 retained).
Molecular consequence: synonymous variant. On other transcripts: 5 prime UTR variant (1).
Genome position (GRCh38, 1-based): chr2:47,783,260, C>T. VCF-style: chr2-47783260-C-T. GRCh37 (hg19) VCF-style: chr2-48010399-C-T.
Other names: c.27C>T, p.Ser9= (NM_001281492.2); c.-710C>T (NM_001281493.2).
Identifiers: ClinVar variation 821830 (VCV000821830.15), dbSNP rs1572697773, ClinGen allele CA425986861.

ClinVar aggregate classification (germline): Benign/Likely benign. Review status: criteria provided, multiple submitters, no conflicts (2 of 4 stars). 3 submissions from 3 submitters: Benign (1); Likely benign (2). Last evaluated 2024-12-16.

Conditions:
Hereditary nonpolyposis colorectal neoplasms. Identifiers: MedGen C0009405, MeSH D003123.
Lynch syndrome 5 (LYNCH5). Also called: Colorectal cancer, hereditary nonpolyposis, type 5; Hereditary non-polyposis colorectal cancer, type 5. Identifiers: Orphanet 144, MedGen C1833477, MONDO:0013710, OMIM 614350. Disease mechanism: loss of function.
Hereditary cancer-predisposing syndrome. Also called: Tumor predisposition; Hereditary Cancer Syndrome; Neoplastic Syndromes, Hereditary; Hereditary neoplastic syndrome. Identifiers: Orphanet 140162, MedGen C0027672, MeSH D009386, MONDO:0015356.

gnomAD v4.1: 1 of 1,612,192 alleles (0.000062%); no homozygotes.

Submissions (3):

Myriad Genetics, Inc.
Classification: Benign for Lynch syndrome 5. Last evaluated: 2024-12-16. Review status: criteria provided, single submitter. Criteria: Myriad Autosomal Dominant, Autosomal Recessive and X-Linked Classification Criteria (2023). Collection method: clinical testing. Allele origin: unknown.
Comment: This variant is considered benign. This variant is a silent/synonymous amino acid change and it is not expected to impact splicing.

Labcorp Genetics (formerly Invitae), Labcorp
Classification: Likely benign for Hereditary nonpolyposis colorectal neoplasms. Last evaluated: 2022-12-05. Review status: criteria provided, single submitter. Criteria: Invitae Variant Classification Sherloc (09022015). Collection method: clinical testing. Allele origin: germline.

Ambry Genetics
Classification: Likely benign for Hereditary cancer-predisposing syndrome. Last evaluated: 2018-03-07. Review status: criteria provided, single submitter. Criteria: Ambry Variant Classification Scheme 2023. Collection method: clinical testing. Allele origin: germline.